The following is an entry in ClinVar:

ClinVar aggregate classification (germline): Pathogenic (1 of 4 stars; one submission).

Conditions:
Hereditary pheochromocytoma and paraganglioma. Also called: Hereditary Paraganglioma-Pheochromocytoma Syndromes; Hereditary paragangliomas and pheochromocytomas; Hereditary pheochromocytoma-paraganglioma. Identifiers: Orphanet 29072, MedGen C4274332, MONDO:0017366.

Submission:

Labcorp Genetics (formerly Invitae), Labcorp
Classification: Pathogenic for Hereditary Paraganglioma-Pheochromocytoma Syndromes. Last evaluated: 2019-07-15. Review status: criteria provided, single submitter. Criteria: Invitae Variant Classification Sherloc (09022015). Collection method: clinical testing. Allele origin: germline.
Comment: A gross deletion of the genomic region encompassing the full coding sequence of the TMEM127 gene has been identified. The boundaries of this event are unknown as the deletion extends beyond the assayed region for this gene and therefore may encompass additional genes. While this particular gross deletion has not been reported in the literature, loss of function variants in TMEM127 are known to be pathogenic (PMID: 20154675, 21156949). For these reasons, this variant has been classified as Pathogenic.

Literature cited by the submitters: PubMed 21156949; PubMed 20154675.

NC_000002.12:g.(?_96253798)_(96265391_?)del

Genes: TMEM127 (transmembrane protein 127; minus strand), LOC129934333 (ATAC-STARR-seq lymphoblastoid silent region 11759; plus strand), LOC110121224 (VISTA enhancer hs1919; plus strand). Cytogenetic location: 2q11.2.
Variant type: Deletion.
Identifiers: ClinVar variation 584288 (VCV000584288.2).